The following is an entry in ClinVar:

NC_000005.9:g.(177027262_177031179)_177035973del

Gene: B4GALT7 (beta-1,4-galactosyltransferase 7; plus strand). Cytogenetic location: 5q35.3.
Variant type: Deletion.
Identifiers: ClinVar variation 3366390 (VCV003366390.1).

ClinVar aggregate classification (germline): Uncertain significance (1 of 4 stars; one submission).

Submission:

Women's Health and Genetics/Laboratory Corporation of America, LabCorp
Classification: Uncertain significance. Last evaluated: 2024-08-08. Review status: criteria provided, single submitter. Criteria: LabCorp Variant Classification Summary - May 2015. Collection method: clinical testing. Allele origin: germline.
Comment: Variant summary: The variant involves the deletion of exons 2-4 and part of exon 5 in the B4GALT7 gene. A presumed nomenclature of c.(50+1_51-1)_786del has been designated for the purposes of this classification. This Copy Number Variant (CNV) involves a partial deletion of exon 5. This CNV spans a canonical splice-site and therefore predicted to result in loss-of-function. However, current evidence is not sufficient to establish loss of function as a mechanism for disease. The variant was absent in ~21690 control chromosomes in the gnomAD database (Structural Variants v2.1 dataset). To our knowledge, no occurrence of c.(50+1_51-1)_786del in individuals affected with Spondylodysplastic Ehlers-Danlos syndrome and no experimental evidence demonstrating its impact on protein function have been reported. No submitters have cited clinical-significance assessments for this variant to ClinVar. Based on the evidence outlined above, the variant was classified as uncertain significance.